The following is an entry in ClinVar:

ClinVar aggregate classification (germline): Benign/Likely benign. Review status: criteria provided, multiple submitters, no conflicts (2 of 4 stars). 3 submissions from 3 submitters: Benign (1); Likely benign (2). Last evaluated 2024-07-16.

Conditions:
Hereditary cancer-predisposing syndrome. Also called: Neoplastic Syndromes, Hereditary; Hereditary Cancer Syndrome; Tumor predisposition; Hereditary neoplastic syndrome. Identifiers: Orphanet 140162, MedGen C0027672, MeSH D009386, MONDO:0015356.
BAP1-related tumor predisposition syndrome (TPDS1). Also called: TUMOR PREDISPOSITION SYNDROME 1; Tumor susceptibility linked to germline BAP1 mutations; BAP1 tumor predisposition syndrome; COMMON Syndrome. Identifiers: Orphanet 289539, MedGen C3280492, MONDO:0013692, OMIM 614327.

Submissions (3):

Myriad Genetics, Inc.
Classification: Benign for BAP1-related tumor predisposition syndrome. Last evaluated: 2024-07-16. Review status: criteria provided, single submitter. Criteria: Myriad Autosomal Dominant, Autosomal Recessive and X-Linked Classification Criteria (2023). Collection method: clinical testing. Allele origin: unknown.
Comment: This variant is considered benign. This variant is a silent/synonymous amino acid change and it is not expected to impact splicing.

Ambry Genetics
Classification: Likely benign for Hereditary cancer-predisposing syndrome. Last evaluated: 2024-05-17. Review status: criteria provided, single submitter. Criteria: Ambry Variant Classification Scheme 2023. Collection method: clinical testing. Allele origin: germline.

Labcorp Genetics (formerly Invitae), Labcorp
Classification: Likely benign for BAP1-related tumor predisposition syndrome. Last evaluated: 2024-02-26. Review status: criteria provided, single submitter. Criteria: Invitae Variant Classification Sherloc (09022015). Collection method: clinical testing. Allele origin: germline.

NM_004656.4(BAP1):c.1641C>T (p.Asn547=)

Gene: BAP1 (BRCA1 associated deubiquitinase 1; minus strand). Cytogenetic location: 3p21.1.
Variant type: single nucleotide variant.
Coding change: c.1641C>T on transcript NM_004656.4 (MANE Select); coding-DNA position 1641, C replaced by T.
Protein change: p.Asn547=; no amino-acid change (asparagine 547 retained).
Molecular consequence: synonymous variant.
Genome position (GRCh38, 1-based): chr3:52,403,504, G>A on the plus strand (C>T on the coding strand, the complement: BAP1 is on the minus strand). VCF-style: chr3-52403504-G-A. GRCh37 (hg19) VCF-style: chr3-52437520-G-A.
Other names: c.1641C>T (NM_004656.2).
Identifiers: ClinVar variation 1132802 (VCV001132802.9), dbSNP rs1705040108, ClinGen allele CA433885948.